The following is an entry in ClinVar:

NM_015692.5(CPAMD8):c.1846G>A (p.Val616Ile)

Gene: CPAMD8 (C3 and PZP like alpha-2-macroglobulin domain containing 8; minus strand). Cytogenetic location: 19p13.11.
Variant type: single nucleotide variant.
Coding change: c.1846G>A on transcript NM_015692.5 (MANE Select); coding-DNA position 1846, G replaced by A.
Protein change: p.Val616Ile; replaces valine 616 with isoleucine.
Molecular consequence: missense variant.
Genome position (GRCh38, 1-based): chr19:16,976,064, C>T on the plus strand (G>A on the coding strand, the complement: CPAMD8 is on the minus strand). VCF-style: chr19-16976064-C-T. GRCh37 (hg19) VCF-style: chr19-17086874-C-T.
Other names: short protein forms V616I.
Identifiers: ClinVar variation 2049113 (VCV002049113.1), dbSNP rs181346064, ClinGen allele CA9285551.
Genomic context (GRCh38, chr19:16,976,064, plus strand): 5'-GGGCAGGAGTCAGCCGGAACCCAGACCTGAGCAGGTAGACACTCTTATCAACTGCGGCGA[C>T]GCACACACAGCTGCCCCTTGCAGCCCTGATCCGCAGGTCGACAACCTCCCCAGGTTGGGT-3'
Protein context (NP_056507.3, residues 606-626): IRAARGSCVC[Val616Ile]AAVDKSVYLL

ClinVar aggregate classification (germline): Uncertain significance (1 of 4 stars; one submission).

Allele frequency attached by ClinVar (database versions not stated): ExAC 0.00011; gnomAD exomes 0.00011; 1000 Genomes Project 30x 0.00016; 1000 Genomes Project 0.00020; ESP Exome Variant Server 0.00024; gnomAD 0.00024.
gnomAD v4.1: 213 of 1,612,040 alleles (0.013%); highest among the groups gnomAD compares: Admixed American, 0.055%; no homozygotes.

Submission:

Labcorp Genetics (formerly Invitae), Labcorp
Classification: Uncertain significance. Last evaluated: 2022-08-05. Review status: criteria provided, single submitter. Criteria: Invitae Variant Classification Sherloc (09022015). Collection method: clinical testing. Allele origin: germline.
Comment: This sequence change replaces valine, which is neutral and non-polar, with isoleucine, which is neutral and non-polar, at codon 663 of the CPAMD8 protein (p.Val663Ile). This variant is present in population databases (rs181346064, gnomAD 0.03%). This variant has not been reported in the literature in individuals affected with CPAMD8-related conditions. Algorithms developed to predict the effect of missense changes on protein structure and function output the following: SIFT: "Tolerated"; PolyPhen-2: "Benign"; Align-GVGD: "Class C0". The isoleucine amino acid residue is found in multiple mammalian species, which suggests that this missense change does not adversely affect protein function. In summary, the available evidence is currently insufficient to determine the role of this variant in disease. Therefore, it has been classified as a Variant of Uncertain Significance.